The following is an entry in ClinVar:

ClinVar aggregate classification (germline): Uncertain significance. Review status: criteria provided, multiple submitters, no conflicts (2 of 4 stars). 4 submissions from 4 submitters: Uncertain significance (3). 1 of the submissions does not count toward it. Last evaluated 2025-11-04.

Conditions:
Hereditary cancer-predisposing syndrome. Also called: Tumor predisposition; Hereditary Cancer Syndrome; Neoplastic Syndromes, Hereditary; Hereditary neoplastic syndrome. Identifiers: Orphanet 140162, MedGen C0027672, MeSH D009386, MONDO:0015356.
Ataxia-telangiectasia syndrome (AT). Also called: Cerebello-oculocutaneous telangiectasia; Immunodeficiency with ataxia telangiectasia; Ataxia-telangiectasia, complementation group D; AT, COMPLEMENTATION GROUP C; Ataxia-telangiectasia, complementation group E; LOUIS-BAR SYNDROME. Identifiers: Orphanet 100, MedGen C0004135, MONDO:0008840, OMIM 208900.
Malignant tumor of breast. Also called: Malignant breast neoplasm; Cancer breast. Identifiers: MedGen C0006142, MONDO:0007254. Disease mechanism: loss of function.

Allele frequency attached by ClinVar (database versions not stated): gnomAD exomes below 0.00001; gnomAD 0.00001.
gnomAD v4.1: 3 of 1,613,944 alleles (0.00019%); highest among the groups gnomAD compares: South Asian, 0.0011%; no homozygotes.

Submissions (4):

Ambry Genetics
Classification: Uncertain significance for Hereditary cancer-predisposing syndrome. Last evaluated: 2025-11-04. Review status: criteria provided, single submitter. Criteria: Ambry Variant Classification Scheme 2023. Collection method: clinical testing. Allele origin: germline.
Comment: The p.Q1867R variant (also known as c.5600A>G), located in coding exon 36 of the ATM gene, results from an A to G substitution at nucleotide position 5600. The glutamine at codon 1867 is replaced by arginine, an amino acid with highly similar properties. This variant was observed in 1/3251 individuals who met eligibility criteria for hereditary breast and ovarian cancer syndrome (Lerner-Ellis J et al. J Cancer Res Clin Oncol, 2021 Mar;147:871-879). This amino acid position is well conserved in available vertebrate species. In addition, this alteration is predicted to be tolerated by in silico analysis. Since supporting evidence is limited at this time, the clinical significance of this alteration remains unclear.

Labcorp Genetics (formerly Invitae), Labcorp
Classification: Uncertain significance for Ataxia-telangiectasia syndrome. Last evaluated: 2025-05-27. Review status: criteria provided, single submitter. Criteria: Invitae Variant Classification Sherloc (09022015). Collection method: clinical testing. Allele origin: germline.
Comment: This sequence change replaces glutamine, which is neutral and polar, with arginine, which is basic and polar, at codon 1867 of the ATM protein (p.Gln1867Arg). This variant is not present in population databases (gnomAD no frequency). This variant has not been reported in the literature in individuals affected with ATM-related conditions. ClinVar contains an entry for this variant (Variation ID: 453589). Invitae Evidence Modeling of protein sequence and biophysical properties (such as structural, functional, and spatial information, amino acid conservation, physicochemical variation, residue mobility, and thermodynamic stability) indicates that this missense variant is not expected to disrupt ATM protein function with a negative predictive value of 95%. In summary, the available evidence is currently insufficient to determine the role of this variant in disease. Therefore, it has been classified as a Variant of Uncertain Significance.

Color Diagnostics, LLC DBA Color Health
Classification: Uncertain significance for Hereditary cancer-predisposing syndrome. Last evaluated: 2023-05-17. Review status: criteria provided, single submitter. Criteria: ACMG Guidelines, 2015. Collection method: clinical testing. Allele origin: germline.
Comment: This missense variant replaces glutamine with arginine at codon 1867 of the ATM protein. Computational prediction suggests that this variant may not impact protein structure and function (internally defined REVEL score threshold <= 0.5, PMID: 27666373). To our knowledge, functional studies have not been reported for this variant. This variant has not been reported in individuals affected with ATM-related disorders in the literature. This variant has not been identified in the general population by the Genome Aggregation Database (gnomAD). The available evidence is insufficient to determine the role of this variant in disease conclusively. Therefore, this variant is classified as a Variant of Uncertain Significance.

Department of Pathology and Laboratory Medicine, Sinai Health System
Classification: Uncertain significance for Malignant tumor of breast. Review status: no assertion criteria provided. Collection method: clinical testing. Allele origin: unknown. Affected: yes. Study: The Canadian Open Genetics Repository (COGR). Not counted in ClinVar's aggregate classification.
Comment: The ATM p.Gln1867Arg variant was not identified in the literature nor was it identified in the dbSNP, GeneInsight-COGR, Cosmic, MutDB, or LOVD 3.0 databases. The variant was identified in ClinVar and Clinvitae (2x as uncertain significance by Invitae, Ambry Genetics). The variant was not identified in the following control databases: the 1000 Genomes Project, the NHLBI GO Exome Sequencing Project, the Exome Aggregation Consortium (August 8th 2016), or the Genome Aggregation Database (Feb 27, 2017). The p.Gln1867 residue is not conserved in mammals and computational analyses (PolyPhen-2, SIFT, AlignGVGD, BLOSUM, MutationTaster) do not suggest a high likelihood of impact to the protein; however, this information is not predictive enough to rule out pathogenicity. The variant occurs outside of the splicing consensus sequence and 4 of 5 in silico or computational prediction software programs (SpliceSiteFinder, MaxEntScan, NNSPLICE, GeneSplicer, HumanSpliceFinder) predict a greater than 10% difference in splicing. However, this information is not predictive enough to assume pathogenicity. In summary, based on the above information the clinical significance of this variant cannot be determined with certainty at this time. This variant is classified as a variant of uncertain significance.

Literature cited by the submitters: PubMed 32885271 (cited by Ambry Genetics).

NM_000051.4(ATM):c.5600A>G (p.Gln1867Arg)

Gene: ATM (ATM serine/threonine kinase; plus strand). Cytogenetic location: 11q22.3.
Variant type: single nucleotide variant.
Coding change: c.5600A>G on transcript NM_000051.4 (MANE Select); coding-DNA position 5600, A replaced by G.
Protein change: p.Gln1867Arg; replaces glutamine 1867 with arginine.
Molecular consequence: missense variant.
Genome position (GRCh38, 1-based): chr11:108,304,778, A>G. VCF-style: chr11-108304778-A-G. GRCh37 (hg19) VCF-style: chr11-108175505-A-G.
Other names: c.5600A>G, p.Gln1867Arg (NM_001351834.2); short protein forms Q1867R.
Identifiers: ClinVar variation 453589 (VCV000453589.15), dbSNP rs1555107457, ClinGen allele CA382546228.